The following is an entry in ClinVar:

NM_001384140.1(PCDH15):c.996_999del (p.Glu332fs)

Gene: PCDH15 (protocadherin related 15; minus strand). Cytogenetic location: 10q21.1.
Variant type: Deletion.
Coding change: c.996_999del on transcript NM_001384140.1 (MANE Select); coding-DNA positions 996 to 999, 4 bases deleted (GGAT; older notation c.996_999delGGAT).
Protein change: p.Glu332fs; shifts the reading frame from glutamic acid 332.
Molecular consequence: frameshift variant.
Genome position (GRCh38, 1-based): chr10:54,214,035-54,214,038, ATCC deleted on the plus strand (GGAT on the coding strand, the reverse complement: PCDH15 is on the minus strand). VCF-style (leftmost placement, unchanged base first): chr10-54214034-AATCC-A. GRCh37 (hg19) VCF-style: chr10-55973794-AATCC-A.
Other names: c.1011_1014del, p.Glu337fs (NM_001142763.2, NM_001142771.2); c.996_999del, p.Glu332fs (NM_001142764.2, NM_001142765.2, NM_001142766.2 and 7 more transcripts); c.885_888del, p.Glu295fs (NM_001142767.2); c.930_933del, p.Glu310fs (NM_001142768.2, NM_001142773.2, NM_001354404.2); c.1011_1014delGGAT, p.Glu337Aspfs (NM_001142769.4); short protein forms E337fs, E295fs, E332fs, E310fs.
Identifiers: ClinVar variation 1394146 (VCV001394146.8), dbSNP rs2134108223, ClinGen allele CA2573145142.

ClinVar aggregate classification (germline): Pathogenic (1 of 4 stars; one submission).

Submission:

Labcorp Genetics (formerly Invitae), Labcorp
Classification: Pathogenic. Last evaluated: 2022-09-02. Review status: criteria provided, single submitter. Criteria: Invitae Variant Classification Sherloc (09022015). Collection method: clinical testing. Allele origin: germline.
Comment: For these reasons, this variant has been classified as Pathogenic. ClinVar contains an entry for this variant (Variation ID: 1394146). This premature translational stop signal has been observed in individual(s) with Usher syndrome (PMID: 15660226). This variant is not present in population databases (gnomAD no frequency). This sequence change creates a premature translational stop signal (p.Glu332Aspfs*21) in the PCDH15 gene. It is expected to result in an absent or disrupted protein product. Loss-of-function variants in PCDH15 are known to be pathogenic (PMID: 11398101, 11487575, 14570705).

Literature cited by the submitters: PubMed 15660226; PubMed 11398101; PubMed 11487575; PubMed 14570705.